The following is an entry in ClinVar:

NM_001142800.2(EYS):c.3112del (p.His1038fs)

Gene: EYS (EGF-like photoreceptor maintenance factor; minus strand). Cytogenetic location: 6q12.
Variant type: Deletion.
Coding change: c.3112del on transcript NM_001142800.2 (MANE Select); coding-DNA position 3112, one base deleted (C; older notation c.3112delC).
Protein change: p.His1038fs; shifts the reading frame from histidine 1038.
Molecular consequence: frameshift variant.
Genome position (GRCh38, 1-based): chr6:64,822,703, G deleted on the plus strand (C on the coding strand, the reverse complement: EYS is on the minus strand). VCF-style (leftmost placement, unchanged base first): chr6-64822702-TG-T. GRCh37 (hg19) VCF-style: chr6-65532595-TG-T.
Other names: c.3112del (NM_001142800.1); c.3112del, p.His1038fs (NM_001292009.2); short protein forms H1038fs.
Identifiers: ClinVar variation 2850616 (VCV002850616.4), dbSNP rs2533169049, ClinGen allele CA2679286808.

ClinVar aggregate classification (germline): Pathogenic/Likely pathogenic. Review status: criteria provided, multiple submitters, no conflicts (2 of 4 stars). 2 submissions from 2 submitters: Pathogenic (1); Likely pathogenic (1). Last evaluated 2025-09-04.

Conditions:
Retinitis pigmentosa 25 (RP25). Identifiers: Orphanet 791, MedGen C1864446, MONDO:0011272, OMIM 602772.

Allele frequency attached by ClinVar (database versions not stated): gnomAD exomes below 0.00001.

Submissions (2):

Natera, Inc.
Classification: Likely pathogenic for Retinitis pigmentosa type 25. Last evaluated: 2025-09-04. Review status: criteria provided, single submitter. Criteria: Natera Variant Classification Schema (03/2026). Collection method: clinical testing. Allele origin: germline.
Comment: The c.3112del variant in EYS is a frameshift variant predicted to shift the reading frame beginning at codon 1038 and leads to a stop codon 52 codons downstream. This variant is expected to result in nonsense mediated decay, truncation, or a dysfunctional protein product. This variant is rare in the general population with a frequency below the threshold expected for the associated phenotype(s). Given the available evidence, this variant is classified as Likely Pathogenic.

Labcorp Genetics (formerly Invitae), Labcorp
Classification: Pathogenic. Last evaluated: 2023-03-29. Review status: criteria provided, single submitter. Criteria: Invitae Variant Classification Sherloc (09022015). Collection method: clinical testing. Allele origin: germline.
Comment: For these reasons, this variant has been classified as Pathogenic. This variant has not been reported in the literature in individuals affected with EYS-related conditions. This variant is not present in population databases (gnomAD no frequency). This sequence change creates a premature translational stop signal (p.His1038Thrfs*52) in the EYS gene. It is expected to result in an absent or disrupted protein product. Loss-of-function variants in EYS are known to be pathogenic (PMID: 18836446, 20333770).

Literature cited by the submitters: PubMed 18836446 (cited by Labcorp Genetics (formerly Invitae), Labcorp); PubMed 20333770 (cited by Labcorp Genetics (formerly Invitae), Labcorp).